The following is an entry in ClinVar:

NM_002693.3(POLG):c.490_491dup (p.Lys165fs)

Genes: POLG (DNA polymerase gamma, catalytic subunit; minus strand), POLGARF (POLG alternative reading frame; minus strand). Cytogenetic location: 15q26.1.
Variant type: Duplication.
Coding change: c.490_491dup on transcript NM_002693.3 (MANE Select); coding-DNA positions 490 to 491, 2 bases duplicated (CC; older notation c.490_491dupCC).
Protein change: p.Lys165fs; shifts the reading frame from lysine 165.
Molecular consequence: frameshift variant.
Genome position (GRCh38, 1-based): chr15:89,333,264-89,333,265, GG duplicated on the plus strand (CC on the coding strand, the reverse complement: POLG is on the minus strand); duplicating any 2 consecutive bases within chr15:89,333,264-89,333,268 gives the same sequence; the c. name uses the placement nearest the transcript's 3' end. VCF-style (leftmost placement, unchanged base first): chr15-89333263-C-CGG. GRCh37 (hg19) VCF-style: chr15-89876494-C-CGG.
Other names: c.545_546dup, p.Glu183fs (NM_001430120.1); c.490_491dup, p.Lys165fs (NM_001126131.2); short protein forms E183fs, K165fs.
Identifiers: ClinVar variation 5012791 (VCV005012791.1).

ClinVar aggregate classification (germline): Pathogenic (1 of 4 stars; one submission).

Conditions:
POLG-related disorder. Also called: POLG-Related Spectrum Disorders; POLG-related condition; POLG-Related Disorders. Identifiers: MedGen C4763519.

Submission:

Myriad Genetics, Inc.
Classification: Pathogenic for POLG-related disorder. Last evaluated: 2024-03-01. Review status: criteria provided, single submitter. Criteria: Myriad Autosomal Dominant, Autosomal Recessive and X-Linked Classification Criteria (2023). Collection method: clinical testing. Allele origin: unknown.
Comment: NM_002693.2(POLG):c.490_491dupCC(K165Rfs*102) is expected to be pathogenic in the context of POLG-related disorders. This variant is predicted to lead to an abnormal or absent protein product due to the creation of a premature termination codon in POLG, a gene where loss-of-function variants are known to be pathogenic. Please note: this variant was assessed in the context of healthy population screening.